The following is an entry in ClinVar:

NM_004588.5(SCN2B):c.578C>T (p.Thr193Ile)

Gene: SCN2B (sodium voltage-gated channel beta subunit 2; minus strand). Cytogenetic location: 11q23.3.
Variant type: single nucleotide variant.
Coding change: c.578C>T on transcript NM_004588.5 (MANE Select); coding-DNA position 578, C replaced by T.
Protein change: p.Thr193Ile; replaces threonine 193 with isoleucine.
Molecular consequence: missense variant.
Genome position (GRCh38, 1-based): chr11:118,166,957, G>A on the plus strand (C>T on the coding strand, the complement: SCN2B is on the minus strand). VCF-style: chr11-118166957-G-A. GRCh37 (hg19) VCF-style: chr11-118037672-G-A.
Other names: short protein forms T193I.
Identifiers: ClinVar variation 1749641 (VCV001749641.8), dbSNP rs115353159, ClinGen allele CA6300405.

ClinVar aggregate classification (germline): Conflicting classifications of pathogenicity. Review status: criteria provided, conflicting classifications (1 of 4 stars). 2 submissions from 2 submitters: Uncertain significance (1); Likely benign (1). Last evaluated 2025-08-12.

Conditions:
Atrial fibrillation, familial, 14 (ATFB14). Identifiers: MedGen C3809312, MONDO:0014156, OMIM 615378.
Cardiovascular phenotype. Identifiers: MedGen CN230736.

Allele frequency attached by ClinVar (database versions not stated): 1000 Genomes Project 30x 0.00031; 1000 Genomes Project 0.00040.
gnomAD v4.1: 36 of 1,614,176 alleles (0.0022%); highest among the groups gnomAD compares: African/African-American, 0.04%; no homozygotes.

Submissions (2):

Labcorp Genetics (formerly Invitae), Labcorp
Classification: Uncertain significance for Atrial fibrillation, familial, 14. Last evaluated: 2025-08-12. Review status: criteria provided, single submitter. Criteria: Invitae Variant Classification Sherloc (09022015). Collection method: clinical testing. Allele origin: germline.
Comment: This sequence change replaces threonine, which is neutral and polar, with isoleucine, which is neutral and non-polar, at codon 193 of the SCN2B protein (p.Thr193Ile). This variant is present in population databases (rs115353159, gnomAD 0.04%), and has an allele count higher than expected for a pathogenic variant. This variant has not been reported in the literature in individuals affected with SCN2B-related conditions. ClinVar contains an entry for this variant (Variation ID: 1749641). An algorithm developed to predict the effect of missense changes on protein structure and function (PolyPhen-2) suggests that this variant is likely to be tolerated. In summary, the available evidence is currently insufficient to determine the role of this variant in disease. Therefore, it has been classified as a Variant of Uncertain Significance.

Ambry Genetics
Classification: Likely benign for Cardiovascular phenotype. Last evaluated: 2024-03-24. Review status: criteria provided, single submitter. Criteria: Ambry Variant Classification Scheme 2023. Collection method: clinical testing. Allele origin: germline.